The following is an entry in ClinVar:

NC_012920.1(MT-CO2):m.8265T>C

Gene: MT-CO2 (mitochondrially encoded cytochrome c oxidase II; plus strand).
Variant type: single nucleotide variant.
Genome position: chrM-8265-T-C.
Identifiers: ClinVar variation 692832 (VCV000692832.1), dbSNP rs1603221364, ClinGen allele CA414795755.

ClinVar aggregate classification (germline): Uncertain significance (1 of 4 stars; one submission).

Conditions:
Leigh syndrome (NULS). Also called: Leigh's necrotizing encephalopathy; Leigh's disease; Leigh Syndrome (mtDNA deletion); Leigh Disease; Subacute necrotizing encephalopathy; Necrotizing encephalopathy infantile subacute of Leigh. Identifiers: Orphanet 506, MedGen C2931891, MONDO:0009723, OMIM 256000.

Submission:

Wong Mito Lab, Molecular and Human Genetics, Baylor College of Medicine
Classification: Uncertain significance for Leigh syndrome. Last evaluated: 2019-10-17. Review status: criteria provided, single submitter. Criteria: Modified ACMG Guidelines (Unpublished). Collection method: clinical testing. Allele origin: germline.
Comment: The NC_012920.1:m.8265T>C (YP_003024029.1:p.Leu227Pro) variant in MTCO2 gene is interpretated to be a Uncertain Significance variant based on the modified ACMG guidelines (unpublished). This variant meets the following evidence codes: BS1, PP6